The following is an entry in ClinVar:

ClinVar aggregate classification (germline): Uncertain significance. Review status: criteria provided, multiple submitters, no conflicts (2 of 4 stars). 2 submissions from 2 submitters: Uncertain significance (2). Last evaluated 2024-05-31.

Conditions:
Hereditary cancer-predisposing syndrome. Also called: Neoplastic Syndromes, Hereditary; Hereditary Cancer Syndrome; Hereditary neoplastic syndrome; Tumor predisposition. Identifiers: Orphanet 140162, MedGen C0027672, MeSH D009386, MONDO:0015356.
Ataxia-telangiectasia syndrome (AT). Also called: Cerebello-oculocutaneous telangiectasia; Immunodeficiency with ataxia telangiectasia; Ataxia-telangiectasia, complementation group D; AT, COMPLEMENTATION GROUP C; ATAXIA-TELANGIECTASIA, FRESNO VARIANT; ATAXIA-TELANGIECTASIA, COMPLEMENTATION GROUP A. Identifiers: Orphanet 100, MedGen C0004135, MONDO:0008840, OMIM 208900.

Submissions (2):

Ambry Genetics
Classification: Uncertain significance for Hereditary cancer-predisposing syndrome. Last evaluated: 2024-05-31. Review status: criteria provided, single submitter. Criteria: Ambry Variant Classification Scheme 2023. Collection method: clinical testing. Allele origin: germline.
Comment: The p.C1838R variant (also known as c.5512T>C), located in coding exon 36 of the ATM gene, results from a T to C substitution at nucleotide position 5512. The cysteine at codon 1838 is replaced by arginine, an amino acid with highly dissimilar properties. This amino acid position is highly conserved in available vertebrate species. In addition, this alteration is predicted to be deleterious by in silico analysis. Based on the available evidence, the clinical significance of this variant remains unclear.

Labcorp Genetics (formerly Invitae), Labcorp
Classification: Uncertain significance for Ataxia-telangiectasia syndrome. Last evaluated: 2020-08-15. Review status: criteria provided, single submitter. Criteria: Invitae Variant Classification Sherloc (09022015). Collection method: clinical testing. Allele origin: germline.
Comment: In summary, the available evidence is currently insufficient to determine the role of this variant in disease. Therefore, it has been classified as a Variant of Uncertain Significance. Algorithms developed to predict the effect of missense changes on protein structure and function are either unavailable or do not agree on the potential impact of this missense change (SIFT: "Deleterious"; PolyPhen-2: "Probably Damaging"; Align-GVGD: "Class C0"). This variant has not been reported in the literature in individuals with ATM-related conditions. ClinVar contains an entry for this variant (Variation ID: 140949). This variant is not present in population databases (ExAC no frequency). This sequence change replaces cysteine with arginine at codon 1838 of the ATM protein (p.Cys1838Arg). The cysteine residue is moderately conserved and there is a large physicochemical difference between cysteine and arginine.

NM_000051.4(ATM):c.5512T>C (p.Cys1838Arg)

Gene: ATM (ATM serine/threonine kinase; plus strand). Cytogenetic location: 11q22.3.
Variant type: single nucleotide variant.
Coding change: c.5512T>C on transcript NM_000051.4 (MANE Select); coding-DNA position 5512, T replaced by C.
Protein change: p.Cys1838Arg; replaces cysteine 1838 with arginine.
Molecular consequence: missense variant.
Genome position (GRCh38, 1-based): chr11:108,304,690, T>C. VCF-style: chr11-108304690-T-C. GRCh37 (hg19) VCF-style: chr11-108175417-T-C.
Other names: c.5512T>C, p.Cys1838Arg (NM_001351834.2); short protein forms C1838R.
Identifiers: ClinVar variation 140949 (VCV000140949.16), dbSNP rs587781390, ClinGen allele CA164000.